The following is an entry in ClinVar:

ClinVar aggregate classification (germline): Uncertain significance (1 of 4 stars; one submission).

Submission:

Ambry Genetics
Classification: Uncertain significance. Last evaluated: 2024-03-29. Review status: criteria provided, single submitter. Criteria: Ambry Variant Classification Scheme 2023. Collection method: clinical testing. Allele origin: germline.
Comment: The p.P309S variant (also known as c.925C>T), located in coding exon 3 of the TERF2IP gene, results from a C to T substitution at nucleotide position 925. The proline at codon 309 is replaced by serine, an amino acid with similar properties. This amino acid position is conserved. In addition, this alteration is predicted to be tolerated by in silico analysis. Based on the available evidence, the clinical significance of this alteration remains unclear.

NM_018975.4(TERF2IP):c.925C>T (p.Pro309Ser)

Gene: TERF2IP (TERF2 interacting protein; plus strand). Cytogenetic location: 16q23.1.
Variant type: single nucleotide variant.
Coding change: c.925C>T on transcript NM_018975.4 (MANE Select); coding-DNA position 925, C replaced by T.
Protein change: p.Pro309Ser; replaces proline 309 with serine.
Molecular consequence: missense variant. On other transcripts: non-coding transcript variant (1).
Genome position (GRCh38, 1-based): chr16:75,656,336, C>T. VCF-style: chr16-75656336-C-T. GRCh37 (hg19) VCF-style: chr16-75690234-C-T.
Other names: short protein forms P309S.
Identifiers: ClinVar variation 3325449 (VCV003325449.1).